The following is an entry in ClinVar:

NC_000005.9:g.(?_138269471)_(138269778_?)dup

Gene: CTNNA1 (catenin alpha 1; plus strand). Cytogenetic location: 5q31.2.
Variant type: Duplication.
Identifiers: ClinVar variation 2424304 (VCV002424304.4).

ClinVar aggregate classification (germline): Uncertain significance (1 of 4 stars; one submission).

Submission:

Labcorp Genetics (formerly Invitae), Labcorp
Classification: Uncertain significance. Last evaluated: 2022-04-04. Review status: criteria provided, single submitter. Criteria: Invitae Variant Classification Sherloc (09022015). Collection method: clinical testing. Allele origin: germline.
Comment: This variant results in a copy number gain of the genomic region encompassing exon(s) 18 of the CTNNA1 gene. This region includes the termination codon of the gene. This copy number gain extends beyond the assayed region for this gene and therefore may encompass additional genes. As the precise location of this event is unknown, it may be in tandem or it may be located elsewhere in the genome. This variant has not been reported in the literature in individuals affected with CTNNA1-related conditions. Experimental studies and prediction algorithms are not available or were not evaluated, and the functional significance of this variant is currently unknown. In summary, the available evidence is currently insufficient to determine the role of this variant in disease. Therefore, it has been classified as a Variant of Uncertain Significance.